The following is an entry in ClinVar:

NM_030665.4(RAI1):c.5679G>T (p.Glu1893Asp)

Gene: RAI1 (retinoic acid induced 1; plus strand). Cytogenetic location: 17p11.2.
Variant type: single nucleotide variant.
Coding change: c.5679G>T on transcript NM_030665.4 (MANE Select); coding-DNA position 5679, G replaced by T.
Protein change: p.Glu1893Asp; replaces glutamic acid 1893 with aspartic acid.
Molecular consequence: missense variant.
Genome position (GRCh38, 1-based): chr17:17,809,409, G>T. VCF-style: chr17-17809409-G-T. GRCh37 (hg19) VCF-style: chr17-17712723-G-T.
Other names: short protein forms E1893D.
Identifiers: ClinVar variation 3656919 (VCV003656919.2).

ClinVar aggregate classification (germline): Uncertain significance (1 of 4 stars; one submission).

gnomAD v4.1: 2 of 1,609,472 alleles (0.00012%); highest among the groups gnomAD compares: Non-Finnish European, 0.00017%; no homozygotes.

Submission:

Labcorp Genetics (formerly Invitae), Labcorp
Classification: Uncertain significance. Last evaluated: 2024-06-18. Review status: criteria provided, single submitter. Criteria: Invitae Variant Classification Sherloc (09022015). Collection method: clinical testing. Allele origin: germline.
Comment: This sequence change replaces glutamic acid, which is acidic and polar, with aspartic acid, which is acidic and polar, at codon 1893 of the RAI1 protein (p.Glu1893Asp). This variant is not present in population databases (gnomAD no frequency). This variant has not been reported in the literature in individuals affected with RAI1-related conditions. Advanced modeling of protein sequence and biophysical properties (such as structural, functional, and spatial information, amino acid conservation, physicochemical variation, residue mobility, and thermodynamic stability) performed at Invitae indicates that this missense variant is not expected to disrupt RAI1 protein function with a negative predictive value of 80%. In summary, the available evidence is currently insufficient to determine the role of this variant in disease. Therefore, it has been classified as a Variant of Uncertain Significance.